The following is an entry in ClinVar:

NM_001009999.3(KDM1A):c.1463A>C (p.Glu488Ala)

Gene: KDM1A (lysine demethylase 1A; plus strand). Cytogenetic location: 1p36.12.
Variant type: single nucleotide variant.
Coding change: c.1463A>C on transcript NM_001009999.3 (MANE Select); coding-DNA position 1463, A replaced by C.
Protein change: p.Glu488Ala; replaces glutamic acid 488 with alanine.
Molecular consequence: missense variant.
Genome position (GRCh38, 1-based): chr1:23,071,274, A>C. VCF-style: chr1-23071274-A-C. GRCh37 (hg19) VCF-style: chr1-23397767-A-C.
Other names: c.1391A>C, p.Glu464Ala (NM_001363654.2, NM_001410763.1, NM_015013.4); c.1451A>C, p.Glu484Ala (NM_001410762.1); short protein forms E464A, E484A, E488A.
Identifiers: ClinVar variation 2502486 (VCV002502486.4), dbSNP rs2522790884, ClinGen allele CA338968168.

ClinVar aggregate classification (germline): Uncertain significance. Review status: criteria provided, multiple submitters, no conflicts (2 of 4 stars). 3 submissions from 3 submitters: Uncertain significance (3). Last evaluated 2026-09-04.

Conditions:
Inborn genetic diseases. Identifiers: MedGen C0950123, MeSH D030342.

Submissions (3):

Ambry Genetics
Classification: Uncertain significance for Inborn genetic diseases. Last evaluated: 2026-09-04. Review status: criteria provided, single submitter. Criteria: Ambry Variant Classification Scheme 2023. Collection method: clinical testing. Allele origin: germline.
Comment: The p.E488A variant (also known as c.1463A>C), located in coding exon 13 of the KDM1A gene, results from an A to C substitution at nucleotide position 1463. The glutamic acid at codon 488 is replaced by alanine, an amino acid with dissimilar properties. This amino acid position is conserved. In addition, this alteration is predicted to be tolerated by in silico analysis. Based on the available evidence, the clinical significance of this variant remains unclear.

Dasa
Classification: Uncertain significance. Last evaluated: 2025-05-30. Review status: criteria provided, single submitter. Criteria: DASA Assertion Criteria. Collection method: clinical testing. Allele origin: germline.
Comment: NM_001009999.3(KDM1A):c.1463A>C (p.Glu488Ala) is a missense variant that results in the substitution of glutamic acid with alanine. This variant is absent from population databases. Computational prediction algorithms are consistent with a benign effect. The currently available literature and clinical evidence are not sufficient to establish a definitive association between this variant and the reported condition. Therefore, this variant is classified as a variant of uncertain significance.

GeneDx
Classification: Uncertain significance. Last evaluated: 2022-11-20. Review status: criteria provided, single submitter. Criteria: GeneDx Variant Classification Process June 2021. Collection method: clinical testing. Allele origin: germline. Affected: yes.
Comment: Not observed at significant frequency in large population cohorts (gnomAD); In silico analysis supports that this missense variant has a deleterious effect on protein structure/function; Has not been previously published as pathogenic or benign to our knowledge